The following is an entry in ClinVar:

NM_182920.2(ADAMTS9):c.34C>T (p.Leu12Phe)

Genes: ADAMTS9-AS2 (ADAMTS9 antisense RNA 2; plus strand), ADAMTS9 (ADAM metallopeptidase with thrombospondin type 1 motif 9; minus strand). Cytogenetic location: 3p14.1.
Variant type: single nucleotide variant.
Coding change: c.34C>T on transcript NM_182920.2 (MANE Select); coding-DNA position 34, C replaced by T.
Protein change: p.Leu12Phe; replaces leucine 12 with phenylalanine.
Molecular consequence: missense variant.
Genome position (GRCh38, 1-based): chr3:64,687,624, G>A on the plus strand (C>T on the coding strand, the complement: ADAMTS9 is on the minus strand). VCF-style: chr3-64687624-G-A. GRCh37 (hg19) VCF-style: chr3-64673300-G-A.
Other names: c.34C>T, p.Leu12Phe (NM_001318781.2); short protein forms L12F.
Identifiers: ClinVar variation 4764314 (VCV004764314.1).
Genomic context (GRCh38, chr3:64,687,624, plus strand): 5'-CCTTGCGCACGGCCGCCGCGGCGTCTGGGCTCCCCATCTCGGCCAGGTCCCGCACCAGGA[G>A]CGTTAGCAGTGTGGCCCAGGATACAAACTGCATGGTGCTTCCCACCCCTCCCTCCGCTGC-3'
Protein context (NP_891550.1, residues 2-22): QFVSWATLLT[Leu12Phe]LVRDLAEMGS

ClinVar aggregate classification (germline): Uncertain significance (1 of 4 stars; one submission).

Submission:

Labcorp Genetics (formerly Invitae), Labcorp
Classification: Uncertain significance. Last evaluated: 2025-11-23. Review status: criteria provided, single submitter. Criteria: Invitae Variant Classification Sherloc (09022015). Collection method: clinical testing. Allele origin: germline.
Comment: This sequence change replaces leucine, which is neutral and non-polar, with phenylalanine, which is neutral and non-polar, at codon 12 of the ADAMTS9 protein (p.Leu12Phe). This variant is not present in population databases (gnomAD no frequency). This variant has not been reported in the literature in individuals affected with ADAMTS9-related conditions. An algorithm developed to predict the effect of missense changes on protein structure and function outputs the following: PolyPhen-2: "Benign". The phenylalanine amino acid residue is found in multiple mammalian species, which suggests that this missense change does not adversely affect protein function. In summary, the available evidence is currently insufficient to determine the role of this variant in disease. Therefore, it has been classified as a Variant of Uncertain Significance.